The following is an entry in ClinVar:

NM_024685.4(BBS10):c.1837T>C (p.Tyr613His)

Gene: BBS10 (Bardet-Biedl syndrome 10; minus strand). Cytogenetic location: 12q21.2.
Variant type: single nucleotide variant.
Coding change: c.1837T>C on transcript NM_024685.4 (MANE Select); coding-DNA position 1837, T replaced by C.
Protein change: p.Tyr613His; replaces tyrosine 613 with histidine.
Molecular consequence: missense variant.
Genome position (GRCh38, 1-based): chr12:76,346,148, A>G on the plus strand (T>C on the coding strand, the complement: BBS10 is on the minus strand). VCF-style: chr12-76346148-A-G. GRCh37 (hg19) VCF-style: chr12-76739928-A-G.
Other names: short protein forms Y613H.
Identifiers: ClinVar variation 965329 (VCV000965329.9), dbSNP rs141647931, ClinGen allele CA6694098.
Genomic context (GRCh38, chr12:76,346,148, plus strand): 5'-TTATCATACTAACCATGGTTTCTTCTGATTGATGGCATTTTTTGGCATAATTGAGAAGAT[A>G]GTAATGTAACAAGATCTCAAAATTACCACCTACTGGCAAAACACAACCAGCTGGCATAGA-3'
Protein context (NP_078961.3, residues 603-623): GGNFEILLHY[Tyr613His]LLNYAKKCHQ

ClinVar aggregate classification (germline): Conflicting classifications of pathogenicity. Review status: criteria provided, conflicting classifications (1 of 4 stars). 5 submissions from 5 submitters: Likely pathogenic (1); Uncertain significance (2). 2 of the submissions do not count toward it. Last evaluated 2024-04-22.

Conditions:
Bardet-Biedl syndrome 10 (BBS10). Identifiers: Orphanet 110, MedGen C1859568, MONDO:0014438, OMIM 615987.
BBS10-related disorder. Also called: BBS10-related condition.
Bardet-Biedl syndrome (BBS). Identifiers: Orphanet 110, MedGen C0752166, MONDO:0015229.

Allele frequency attached by ClinVar (database versions not stated): gnomAD 0.00004 and 0.00005; gnomAD exomes 0.00004; ExAC 0.00005; ESP Exome Variant Server 0.00008; TOPMed 0.00009; 1000 Genomes Project 30x 0.00031; 1000 Genomes Project 0.00040.
gnomAD v4.1: 75 of 1,610,418 alleles (0.0047%); highest among the groups gnomAD compares: Admixed American, 0.022%; no homozygotes.

Submissions (5):

Fulgent Genetics
Classification: Likely pathogenic for Bardet-Biedl syndrome 10. Last evaluated: 2024-04-22. Review status: criteria provided, single submitter. Criteria: ACMG Guidelines, 2015. Collection method: clinical testing. Allele origin: germline.

Labcorp Genetics (formerly Invitae), Labcorp
Classification: Uncertain significance for Bardet-Biedl syndrome. Last evaluated: 2022-11-01. Review status: criteria provided, single submitter. Criteria: Invitae Variant Classification Sherloc (09022015). Collection method: clinical testing. Allele origin: germline.
Comment: This sequence change replaces tyrosine, which is neutral and polar, with histidine, which is basic and polar, at codon 613 of the BBS10 protein (p.Tyr613His). This variant is present in population databases (rs141647931, gnomAD 0.02%). This variant has not been reported in the literature in individuals affected with BBS10-related conditions. ClinVar contains an entry for this variant (Variation ID: 965329). Advanced modeling of protein sequence and biophysical properties (such as structural, functional, and spatial information, amino acid conservation, physicochemical variation, residue mobility, and thermodynamic stability) has been performed at Invitae for this missense variant, however the output from this modeling did not meet the statistical confidence thresholds required to predict the impact of this variant on BBS10 protein function. Experimental studies have shown that this missense change affects BBS10 function (PMID: 20498079). In summary, the available evidence is currently insufficient to determine the role of this variant in disease. Therefore, it has been classified as a Variant of Uncertain Significance.

Blueprint Genetics
Classification: Uncertain significance. Last evaluated: 2021-09-01. Review status: criteria provided, single submitter. Criteria: ACMG Guidelines, 2015. Collection method: clinical testing. Allele origin: germline.

PreventionGenetics, part of Exact Sciences
Classification: Uncertain significance for BBS10-related condition. Last evaluated: 2024-08-22. Review status: no assertion criteria provided. Collection method: clinical testing. Allele origin: germline. Not counted in ClinVar's aggregate classification.
Comment: The BBS10 c.1837T>C variant is predicted to result in the amino acid substitution p.Tyr613His. This variant has been reported in a family with Bardet-Biedl syndrome (Supplementary Table 1, Stoetzel et al. 2006. PubMed ID: 16582908). In addition, another missense variant affecting the same amino acid residue (p.Tyr613Cys) was reported in a separate family with Bardet-Biedl syndrome (Supplementary Table 1, Stoetzel et al. 2006. PubMed ID: 16582908). Both the p.Tyr613His and p.Tyr613Cys variants showed impaired BBS10 function in studies using zebrafish. however, the molecular mechanism for these finding were not elucidated (Zaghloul et al. 2010. PubMed ID: 20498079). In co-immunoprecipitation assays the BBS10 p.Tyr613His mutant protein showed reduced binding to other chaperonines when comparing to wild type protein: 76% with BBS12, 52% with BBS7, and 81% with BBS9 (Figure S8 in Seo et al. 2010. PubMed ID: 20080638). This variant is reported in 0.015% of alleles in individuals of Latino descent in gnomAD. At this time, the clinical significance of this variant is uncertain due to the absence of conclusive functional and genetic evidence.

Natera, Inc.
Classification: Uncertain significance for Bardet-Biedl syndrome type 10. Last evaluated: 2020-01-27. Review status: no assertion criteria provided. Collection method: clinical testing. Allele origin: germline. Not counted in ClinVar's aggregate classification.

Literature cited by the submitters: PubMed 20498079 (cited by Labcorp Genetics (formerly Invitae), Labcorp).